The following is an entry in ClinVar:

NM_006231.4(POLE):c.5481G>A (p.Ser1827=)

Gene: POLE (DNA polymerase epsilon, catalytic subunit; minus strand). Cytogenetic location: 12q24.33.
Variant type: single nucleotide variant.
Coding change: c.5481G>A on transcript NM_006231.4 (MANE Select); coding-DNA position 5481, G replaced by A.
Protein change: p.Ser1827=; no amino-acid change (serine 1827 retained).
Molecular consequence: synonymous variant.
Genome position (GRCh38, 1-based): chr12:132,639,196, C>T on the plus strand (G>A on the coding strand, the complement: POLE is on the minus strand). VCF-style: chr12-132639196-C-T. GRCh37 (hg19) VCF-style: chr12-133215782-C-T.
Identifiers: ClinVar variation 382699 (VCV000382699.21), dbSNP rs775867327, ClinGen allele CA6892512.
Genomic context (GRCh38, chr12:132,639,196, plus strand): 5'-CTTCTTCATCATGTTGTGGAGTGTGCGGTGCAGGGCAGGGTCATGAAGCAGAGAGGATGG[C>T]GACCGAAGCCAGCGGTAGAAGTGCATCACCTGGTTGTCTGCATAGATGTTGTGGTACTGG-3'
Protein context (NP_006222.2, residues 1817-1837): QVMHFYRWLR[Ser1827=]PSSLLHDPAL

ClinVar aggregate classification (germline): Likely benign. Review status: criteria provided, multiple submitters, no conflicts (2 of 4 stars). 6 submissions from 6 submitters: Likely benign (5). 1 of the submissions does not count toward it. Last evaluated 2025-12-29.

Conditions:
POLE-related disorder. Also called: POLE-related disorders; POLE-related condition.
Hereditary cancer-predisposing syndrome. Also called: Neoplastic Syndromes, Hereditary; Tumor predisposition; Hereditary Cancer Syndrome; Hereditary neoplastic syndrome. Identifiers: Orphanet 140162, MedGen C0027672, MeSH D009386, MONDO:0015356.
Carcinoma of colon (CRC). Also called: Colonic carcinoma; Colon carcinoma. Identifiers: MedGen C0699790, MONDO:0002032.

Allele frequency attached by ClinVar (database versions not stated): ExAC 0.00001; gnomAD exomes 0.00001; gnomAD 0.00002; TOPMed 0.00003.
gnomAD v4.1: 50 of 1,613,886 alleles (0.0031%); highest among the groups gnomAD compares: Non-Finnish European, 0.004%; no homozygotes.

Submissions (6):

Center for Genomic Medicine, Rigshospitalet, Copenhagen University Hospital
Classification: Likely benign. Last evaluated: 2025-12-29. Review status: criteria provided, single submitter. Criteria: ACMG Guidelines, 2015. Collection method: clinical testing. Allele origin: germline.

Labcorp Genetics (formerly Invitae), Labcorp
Classification: Likely benign. Last evaluated: 2025-12-09. Review status: criteria provided, single submitter. Criteria: Invitae Variant Classification Sherloc (09022015). Collection method: clinical testing. Allele origin: germline.

PreventionGenetics, part of Exact Sciences
Classification: Likely benign for POLE-related condition. Last evaluated: 2025-03-12. Review status: criteria provided, single submitter. Criteria: ACMG Guidelines, 2015. Collection method: clinical testing. Allele origin: germline.
Comment: This variant is classified as likely benign based on ACMG/AMP sequence variant interpretation guidelines (Richards et al. 2015 PMID: 25741868, with internal and published modifications).

GeneDx
Classification: Likely benign. Last evaluated: 2020-11-27. Review status: criteria provided, single submitter. Criteria: GeneDx Variant Classification Process June 2021. Collection method: clinical testing. Allele origin: germline. Affected: yes.

Ambry Genetics
Classification: Likely benign for Hereditary cancer-predisposing syndrome. Last evaluated: 2016-01-22. Review status: criteria provided, single submitter. Criteria: Ambry Variant Classification Scheme 2023. Collection method: clinical testing. Allele origin: germline.

Department of Pathology and Laboratory Medicine, Sinai Health System
Classification: Likely benign for Carcinoma of colon. Review status: no assertion criteria provided. Collection method: clinical testing. Allele origin: unknown. Affected: yes. Observed: 2 variant alleles. Study: The Canadian Open Genetics Repository (COGR). Not counted in ClinVar's aggregate classification.
Comment: The POLE p.Ser1827= variant was not identified in the literature nor was it identified in the Cosmic database. The variant was identified in dbSNP (ID: rs775867327) as "With Likely benign allele ", and in ClinVar (classified as likely benign by GeneDx, Invitae, Ambry Genetics). The variant was identified in control databases in 2 of 246210 chromosomes at a frequency of 0.000008 (Genome Aggregation Database Feb 27, 2017). The variant was observed in the following populations: African in 1 of 15302 chromosomes (freq: 0.000065), European in 1 of 111684 chromosomes (freq: 0.000009), but was not observed in the Other, Latino, Ashkenazi Jewish, East Asian, Finnish, and South Asian populations. The p.Ser1827= variant is not expected to have clinical significance because it does not result in a change of amino acid and is not located in a known consensus splice site. In addition, in silico or computational prediction software programs (SpliceSiteFinder, MaxEntScan, NNSPLICE, GeneSplicer) do not predict a difference in splicing. In summary, based on the above information the clinical significance of this variant cannot be determined with certainty at this time although we would lean towards a more benign role for this variant. This variant is classified as likely benign.